The following is an entry in ClinVar:

NM_001009944.3(PKD1):c.1281G>A (p.Ala427=)

Gene: PKD1 (polycystin 1, transient receptor potential channel interacting; minus strand). Cytogenetic location: 16p13.3.
Variant type: single nucleotide variant.
Coding change: c.1281G>A on transcript NM_001009944.3 (MANE Select); coding-DNA position 1281, G replaced by A.
Protein change: p.Ala427=; no amino-acid change (alanine 427 retained).
Molecular consequence: synonymous variant.
Genome position (GRCh38, 1-based): chr16:2,117,593, C>T on the plus strand (G>A on the coding strand, the complement: PKD1 is on the minus strand). VCF-style: chr16-2117593-C-T. GRCh37 (hg19) VCF-style: chr16-2167594-C-T.
Other names: c.1281G>A, p.Ala427= (NM_000296.4).
Identifiers: ClinVar variation 997126 (VCV000997126.31), dbSNP rs141553109, ClinGen allele CA7833553.

ClinVar aggregate classification (germline): Benign/Likely benign. Review status: criteria provided, multiple submitters, no conflicts (2 of 4 stars). 8 submissions from 8 submitters: Benign (1); Likely benign (4). 3 of the submissions do not count toward it. Last evaluated 2024-11-25.

Conditions:
Polycystic kidney disease. Also called: Kidney, Polycystic; Polycystic kidney dysplasia. Identifiers: MedGen C0022680, MeSH D007690, MONDO:0020642, HP:0000113.
Polycystic kidney disease, adult type (PKD1). Also called: Polycystic Kidney, Autosomal Dominant; POLYCYSTIC KIDNEY DISEASE, ADULT, TYPE I; Polycystic Kidney Disease 1, Autosomal Dominant; Polycystic kidney disease 1; Polycystic kidney disease 1, severe; POLYCYSTIC KIDNEY DISEASE 1 WITH OR WITHOUT POLYCYSTIC LIVER DISEASE. Identifiers: MedGen C3149841, MONDO:0008263, OMIM 173900.

Allele frequency attached by ClinVar (database versions not stated): ExAC 0.00186; 1000 Genomes Project 30x 0.00031; 1000 Genomes Project 0.00040; ESP Exome Variant Server 0.00086; TOPMed 0.00088; gnomAD 0.00114 and 0.00120; gnomAD exomes 0.00114 and 0.00124.
gnomAD v4.1: 1,972 of 1,609,694 alleles (0.12%); highest among the groups gnomAD compares: Non-Finnish European, 0.14%; 7 homozygotes.

Submissions (8):

Blueprint Genetics
Classification: Likely benign. Last evaluated: 2024-11-25. Review status: criteria provided, single submitter. Criteria: ACMG Guidelines, 2015. Collection method: clinical testing. Allele origin: germline.

CeGaT Center for Human Genetics Tuebingen
Classification: Likely benign. Last evaluated: 2023-03-01. Review status: criteria provided, single submitter. Criteria: CeGaT Center For Human Genetics Tuebingen Variant Classification Criteria Version 2. Collection method: clinical testing. Allele origin: germline. Affected: yes. Observed: 3 variant alleles.
Comment: PKD1: BP4, BP7

Fulgent Genetics
Classification: Likely benign for Polycystic kidney disease, adult type. Last evaluated: 2021-11-09. Review status: criteria provided, single submitter. Criteria: ACMG Guidelines, 2015. Collection method: clinical testing. Allele origin: unknown.

Athena Diagnostics
Classification: Benign. Last evaluated: 2020-11-24. Review status: criteria provided, single submitter. Criteria: Athena Diagnostics criteria. Collection method: clinical testing. Allele origin: unknown.

GeneDx
Classification: Likely benign. Last evaluated: 2019-10-03. Review status: criteria provided, single submitter. Criteria: GeneDx Variant Classification Process June 2021. Collection method: clinical testing. Allele origin: germline. Affected: yes.

Clinical Genetics DNA and cytogenetics Diagnostics Lab, Erasmus MC, Erasmus Medical Center
Classification: Likely benign. Review status: no assertion criteria provided. Collection method: clinical testing. Allele origin: germline. Affected: yes. Study: VKGL Data-share Consensus. Not counted in ClinVar's aggregate classification.

Department of Pathology and Laboratory Medicine, Sinai Health System
Classification: Benign for Polycystic Kidney disease. Review status: no assertion criteria provided. Collection method: clinical testing. Allele origin: unknown. Affected: yes. Observed: 1 variant allele. Study: The Canadian Open Genetics Repository (COGR). Not counted in ClinVar's aggregate classification.
Comment: The PKD1 p.Ala427= variant was not identified in the literature nor was it identified in the COGR, LOVD 3.0, and PKD1-LOVD databases. The variant was identified in the following databases: dbSNP (ID: rs141553109), ADPKD Mutation Database (classified likely neutral), and in control databases in 270 of 243822 chromosomes (1 homozygous) at a frequency of 0.001 increasing the likelihood this could be a low frequency benign variant (Genome Aggregation Database Feb 27, 2017). It was observed in the following populations: African in 5 of 20430 chromosomes (freq: 0.0002), Other in 11 of 5832 chromosomes (freq: 0.002), Latino in 10 of 32578 chromosomes (freq: 0.0003), European Non-Finnish in 172 of 108768 chromosomes (freq: 0.002), East Asian in 1 of 17112 chromosomes (freq: 0.00006), European Finnish in 65 of 22020 chromosomes (freq: 0.003), and South Asian in 6 of 27548 chromosomes (freq: 0.0002); it was not observed in the Ashkenazi Jewish population. The p.Ala427= variant is not expected to have clinical significance because it does not result in a change of amino acid and is not located in a known consensus splice site. In addition, in silico or computational prediction software programs (SpliceSiteFinder, MaxEntScan, NNSPLICE, GeneSplicer, HumanSpliceFinder) do not predict a difference in splicing. In summary, based on the above information this variant meets our laboratory criteria to be classified as benign.

Genome Diagnostics Laboratory, University Medical Center Utrecht
Classification: Likely benign. Review status: no assertion criteria provided. Collection method: clinical testing. Allele origin: germline. Affected: yes. Study: VKGL Data-share Consensus. Not counted in ClinVar's aggregate classification.